The following is an entry in ClinVar:

ClinVar aggregate classification (germline): Pathogenic (1 of 4 stars; one submission).

Conditions:
Autosomal recessive osteopetrosis 1. Also called: ALBERS-SCHONBERG DISEASE, AUTOSOMAL RECESSIVE; TCIRG1-Related Autosomal Recessive Osteopetrosis; TCIRG1-Related Osteopetrosis. Identifiers: Orphanet 667, MedGen C1850127, MONDO:0009815, OMIM 259700.

Submission:

Myriad Genetics, Inc.
Classification: Pathogenic for Autosomal recessive osteopetrosis 1. Last evaluated: 2023-09-27. Review status: criteria provided, single submitter. Criteria: Myriad Autosomal Dominant, Autosomal Recessive and X-Linked Classification Criteria (2023). Collection method: clinical testing. Allele origin: unknown.
Comment: NM_006019.3(TCIRG1):c.2093dupG(L699Pfs*3) is expected to be pathogenic in the context of autosomal recessive osteopetrosis type 1. This variant is predicted to lead to an abnormal or absent protein product due to the creation of a premature termination codon in TCIRG1, a gene where loss-of-function variants are known to be pathogenic. Please note: this variant was assessed in the context of healthy population screening.

NM_006019.4(TCIRG1):c.2093dup (p.Leu699fs)

Gene: TCIRG1 (T cell immune regulator 1, ATPase H+ transporting V0 subunit a3; plus strand). Cytogenetic location: 11q13.2.
Variant type: Duplication.
Coding change: c.2093dup on transcript NM_006019.4 (MANE Select); coding-DNA position 2093, one base duplicated (G; older notation c.2093dupG).
Protein change: p.Leu699fs; shifts the reading frame from leucine 699.
Molecular consequence: frameshift variant.
Genome position (GRCh38, 1-based): chr11:68,050,041, G duplicated; the last of 5 consecutive G bases (chr11:68,050,037-68,050,041); duplicating any one gives the same sequence. VCF-style (leftmost placement, unchanged base first): chr11-68050036-A-AG. GRCh37 (hg19) VCF-style: chr11-67817503-A-AG.
Other names: c.1199dup, p.Leu401fs (NM_001351059.2); c.2093dup, p.Leu699fs (NM_001440552.1, NM_001440553.1, NM_001440554.1 and 2 more transcripts); c.2051dup, p.Leu685fs (NM_001440555.1, NM_001440556.1, NM_001440563.1); c.1880dup, p.Leu628fs (NM_001440559.1, NM_001440560.1, NM_001440561.1 and 2 more transcripts); c.1838dup, p.Leu614fs (NM_001440564.1); c.1793dup, p.Leu599fs (NM_001440565.1); c.1631dup, p.Leu545fs (NM_001440567.1); c.1625dup, p.Leu543fs (NM_001440568.1); and 2 more; short protein forms L379fs, L401fs, L483fs, L543fs, L545fs, L599fs, L614fs, L628fs.
Identifiers: ClinVar variation 5011784 (VCV005011784.1).